The following is an entry in ClinVar:

ClinVar aggregate classification (germline): Uncertain significance. Review status: criteria provided, multiple submitters, no conflicts (2 of 4 stars). 2 submissions from 2 submitters: Uncertain significance (2). Last evaluated 2022-09-12.

Conditions:
Aortic aneurysm, familial thoracic 6 (AAT6). Also called: FAMILIAL THORACIC AORTIC ANEURYSM WITH LIVEDO RETICULARIS AND IRIS FLOCCULI. Identifiers: MedGen C2673186, MONDO:0012730, OMIM 611788.
Familial thoracic aortic aneurysm and aortic dissection (TAAD). Also called: Thoracic aortic aneurysms and dissections. Identifiers: Orphanet 91387, MedGen C4707243, MONDO:0019625.

Allele frequency attached by ClinVar (database versions not stated): TOPMed below 0.00001; gnomAD 0.00001.
gnomAD v4.1: 1 of 1,613,446 alleles (0.000062%); highest among the groups gnomAD compares: Non-Finnish European, 0.000085%; no homozygotes.

Submissions (2):

Ambry Genetics
Classification: Uncertain significance for Familial thoracic aortic aneurysm and aortic dissection. Last evaluated: 2022-09-12. Review status: criteria provided, single submitter. Criteria: Ambry Variant Classification Scheme 2023. Collection method: clinical testing. Allele origin: germline.
Comment: The p.T262A variant (also known as c.784A>G), located in coding exon 6 of the ACTA2 gene, results from an A to G substitution at nucleotide position 784. The threonine at codon 262 is replaced by alanine, an amino acid with similar properties. This amino acid position is conserved. In addition, this alteration is predicted to be deleterious by in silico analysis. Since supporting evidence is limited at this time, the clinical significance of this alteration remains unclear.

Labcorp Genetics (formerly Invitae), Labcorp
Classification: Uncertain significance for Aortic aneurysm, familial thoracic 6. Last evaluated: 2021-07-26. Review status: criteria provided, single submitter. Criteria: Invitae Variant Classification Sherloc (09022015). Collection method: clinical testing. Allele origin: germline.
Comment: Advanced modeling of protein sequence and biophysical properties (such as structural, functional, and spatial information, amino acid conservation, physicochemical variation, residue mobility, and thermodynamic stability) performed at Invitae indicates that this missense variant is not expected to disrupt ACTA2 protein function. This variant has not been reported in the literature in individuals affected with ACTA2-related conditions. This variant is not present in population databases (ExAC no frequency). This sequence change replaces threonine with alanine at codon 262 of the ACTA2 protein (p.Thr262Ala). The threonine residue is highly conserved and there is a small physicochemical difference between threonine and alanine. In summary, the available evidence is currently insufficient to determine the role of this variant in disease. Therefore, it has been classified as a Variant of Uncertain Significance.

NM_001613.4(ACTA2):c.784A>G (p.Thr262Ala)

Genes: ACTA2 (actin alpha 2, smooth muscle; minus strand), ACTA2-AS1 (ACTA2 antisense RNA 1; plus strand). Cytogenetic location: 10q23.31.
Variant type: single nucleotide variant.
Coding change: c.784A>G on transcript NM_001613.4 (MANE Select); coding-DNA position 784, A replaced by G.
Protein change: p.Thr262Ala; replaces threonine 262 with alanine.
Molecular consequence: missense variant. On other transcripts: non-coding transcript variant (1).
Genome position (GRCh38, 1-based): chr10:88,939,531, T>C on the plus strand (A>G on the coding strand, the complement: ACTA2 is on the minus strand). VCF-style: chr10-88939531-T-C. GRCh37 (hg19) VCF-style: chr10-90699288-T-C.
Other names: c.784A>G, p.Thr262Ala (NM_001141945.3, NM_001320855.2, NM_001406462.1 and 2 more transcripts); c.673A>G, p.Thr225Ala (NM_001406466.1); c.655A>G, p.Thr219Ala (NM_001406467.1, NM_001406468.1, NM_001406469.1); short protein forms T262A, T225A, T219A.
Identifiers: ClinVar variation 1523708 (VCV001523708.11), dbSNP rs1382142026, ClinGen allele CA377511185.
Genomic context (GRCh38, chr10:88,939,531, plus strand): 5'-ACTCCCCTTCCCAGGAAAAGGGCGTTTGTTGCCTACCGATGAAGGATGGCTGGAACAGGG[T>C]CTCTGGGCAGCGGAAACGTTCATTTCCGATGGTGATCACTTGCCCATCAGGCAACTCGTA-3'
Protein context (NP_001604.1, residues 252-272): IGNERFRCPE[Thr262Ala]LFQPSFIGME